The following is an entry in ClinVar:

ClinVar aggregate classification (germline): Uncertain significance (1 of 4 stars; one submission).

Conditions:
Primary ciliary dyskinesia. Also called: Ciliary dyskinesia. Identifiers: Orphanet 244, MedGen C0008780, MONDO:0016575, HP:0012265.

Allele frequency attached by ClinVar (database versions not stated): gnomAD 0.00001; TOPMed 0.00001.
gnomAD v4.1: 21 of 1,613,930 alleles (0.0013%); highest among the groups gnomAD compares: Non-Finnish European, 0.0018%; no homozygotes.

Submission:

Ambry Genetics
Classification: Uncertain significance for Primary ciliary dyskinesia. Last evaluated: 2023-03-31. Review status: criteria provided, single submitter. Criteria: Ambry Variant Classification Scheme 2023. Collection method: clinical testing. Allele origin: germline.
Comment: The p.A617T variant (also known as c.1849G>A), located in coding exon 11 of the DNAAF1 gene, results from a G to A substitution at nucleotide position 1849. The alanine at codon 617 is replaced by threonine, an amino acid with similar properties. This amino acid position is conserved. In addition, this alteration is predicted to be tolerated by in silico analysis. Since supporting evidence is limited at this time, the clinical significance of this alteration remains unclear.

NM_178452.6(DNAAF1):c.1849G>A (p.Ala617Thr)

Gene: DNAAF1 (dynein axonemal assembly factor 1; plus strand). Cytogenetic location: 16q24.1.
Variant type: single nucleotide variant.
Coding change: c.1849G>A on transcript NM_178452.6 (MANE Select); coding-DNA position 1849, G replaced by A.
Protein change: p.Ala617Thr; replaces alanine 617 with threonine.
Molecular consequence: missense variant.
Genome position (GRCh38, 1-based): chr16:84,176,083, G>A. VCF-style: chr16-84176083-G-A. GRCh37 (hg19) VCF-style: chr16-84209689-G-A.
Other names: c.1141G>A, p.Ala381Thr (NM_001318756.1); short protein forms A381T, A617T.
Identifiers: ClinVar variation 2564029 (VCV002564029.2), dbSNP rs1308243842, ClinGen allele CA396950759.